The following is an entry in ClinVar:

ClinVar aggregate classification (germline): Uncertain significance. Review status: criteria provided, multiple submitters, no conflicts (2 of 4 stars). 3 submissions from 3 submitters: Uncertain significance (3). Last evaluated 2025-07-03.

Conditions:
Cardiovascular phenotype. Identifiers: MedGen CN230736.
RASopathy. Also called: rasopathies; Noonan spectrum disorder. Identifiers: Orphanet 536391, MedGen C5555857, MONDO:0021060.

Submissions (3):

Labcorp Genetics (formerly Invitae), Labcorp
Classification: Uncertain significance for RASopathy. Last evaluated: 2025-07-03. Review status: criteria provided, single submitter. Criteria: Invitae Variant Classification Sherloc (09022015). Collection method: clinical testing. Allele origin: germline.
Comment: This sequence change replaces aspartic acid, which is acidic and polar, with glycine, which is neutral and non-polar, at codon 348 of the CBL protein (p.Asp348Gly). This variant is not present in population databases (gnomAD no frequency). This variant has not been reported in the literature in individuals affected with CBL-related conditions. ClinVar contains an entry for this variant (Variation ID: 650249). Invitae Evidence Modeling of protein sequence and biophysical properties (such as structural, functional, and spatial information, amino acid conservation, physicochemical variation, residue mobility, and thermodynamic stability) indicates that this missense variant is expected to disrupt CBL protein function with a positive predictive value of 95%. In summary, the available evidence is currently insufficient to determine the role of this variant in disease. Therefore, it has been classified as a Variant of Uncertain Significance.

Ambry Genetics
Classification: Uncertain significance for Cardiovascular phenotype. Last evaluated: 2024-12-22. Review status: criteria provided, single submitter. Criteria: Ambry Variant Classification Scheme 2023. Collection method: clinical testing. Allele origin: germline.
Comment: The p.D348G variant (also known as c.1043A>G), located in coding exon 7 of the CBL gene, results from an A to G substitution at nucleotide position 1043. The aspartic acid at codon 348 is replaced by glycine, an amino acid with similar properties. This amino acid position is conserved. In addition, this alteration is predicted to be deleterious by in silico analysis. Based on the available evidence, the clinical significance of this variant remains unclear.

Women's Health and Genetics/Laboratory Corporation of America, LabCorp
Classification: Uncertain significance. Last evaluated: 2024-12-02. Review status: criteria provided, single submitter. Criteria: LabCorp Variant Classification Summary - May 2015. Collection method: clinical testing. Allele origin: germline.
Comment: Variant summary: CBL c.1043A>G (p.Asp348Gly) results in a non-conservative amino acid change located in the Cbl-type phosphotyrosine-binding (Cbl-PTB) domain (IPR024159) of the encoded protein sequence. Five of five in-silico tools predict a damaging effect of the variant on protein function. The variant was absent in 251446 control chromosomes. The available data on variant occurrences in the general population are insufficient to allow any conclusion about variant significance. To our knowledge, no occurrence of c.1043A>G in individuals affected with Noonan Syndrome And Related Conditions and no experimental evidence demonstrating its impact on protein function have been reported. ClinVar contains an entry for this variant (Variation ID: 650249). Based on the evidence outlined above, the variant was classified as uncertain significance.

NM_005188.4(CBL):c.1043A>G (p.Asp348Gly)

Gene: CBL (Cbl proto-oncogene; plus strand). Cytogenetic location: 11q23.3.
Variant type: single nucleotide variant.
Coding change: c.1043A>G on transcript NM_005188.4 (MANE Select); coding-DNA position 1043, A replaced by G.
Protein change: p.Asp348Gly; replaces aspartic acid 348 with glycine.
Molecular consequence: missense variant.
Genome position (GRCh38, 1-based): chr11:119,277,792, A>G. VCF-style: chr11-119277792-A-G. GRCh37 (hg19) VCF-style: chr11-119148502-A-G.
Other names: c.1043A>G (NM_005188.2); short protein forms D348G.
Identifiers: ClinVar variation 650249 (VCV000650249.9), dbSNP rs1592400595, ClinGen allele CA382911916.